The following is an entry in ClinVar:

ClinVar aggregate classification (germline): Uncertain significance (1 of 4 stars; one submission).

Allele frequency attached by ClinVar (database versions not stated): gnomAD exomes below 0.00001.
gnomAD v4.1: 2 of 1,612,730 alleles (0.00012%); highest among the groups gnomAD compares: Non-Finnish European, 0.00017%; no homozygotes.

Submission:

Labcorp Genetics (formerly Invitae), Labcorp
Classification: Uncertain significance. Last evaluated: 2020-08-11. Review status: criteria provided, single submitter. Criteria: Invitae Variant Classification Sherloc (09022015). Collection method: clinical testing. Allele origin: germline.
Comment: This sequence change replaces alanine with valine at codon 535 of the PITPNM3 protein (p.Ala535Val). The alanine residue is moderately conserved and there is a small physicochemical difference between alanine and valine. This variant is not present in population databases (ExAC no frequency). This variant has not been reported in the literature in individuals with PITPNM3-related conditions. Algorithms developed to predict the effect of missense changes on protein structure and function are either unavailable or do not agree on the potential impact of this missense change (SIFT: "Deleterious"; PolyPhen-2: "Benign"; Align-GVGD: "Class C0"). Algorithms developed to predict the effect of sequence changes on RNA splicing suggest that this variant may create or strengthen a splice site, but this prediction has not been confirmed by published transcriptional studies. In summary, the available evidence is currently insufficient to determine the role of this variant in disease. Therefore, it has been classified as a Variant of Uncertain Significance.

NM_031220.4(PITPNM3):c.1604C>T (p.Ala535Val)

Gene: PITPNM3 (PITPNM family member 3; minus strand). Cytogenetic location: 17p13.2.
Variant type: single nucleotide variant.
Coding change: c.1604C>T on transcript NM_031220.4 (MANE Select); coding-DNA position 1604, C replaced by T.
Protein change: p.Ala535Val; replaces alanine 535 with valine.
Molecular consequence: missense variant.
Genome position (GRCh38, 1-based): chr17:6,471,181, G>A on the plus strand (C>T on the coding strand, the complement: PITPNM3 is on the minus strand). VCF-style: chr17-6471181-G-A. GRCh37 (hg19) VCF-style: chr17-6374501-G-A.
Other names: c.1496C>T, p.Ala499Val (NM_001165966.2); short protein forms A499V, A535V.
Identifiers: ClinVar variation 1021921 (VCV001021921.8), dbSNP rs1905051816, ClinGen allele CA397404938.